The following is an entry in ClinVar:

ClinVar aggregate classification (germline): Benign/Likely benign. Review status: criteria provided, multiple submitters, no conflicts (2 of 4 stars). 13 submissions from 13 submitters: Benign (3); Likely benign (10). Last evaluated 2026-08-01.

Conditions:
Hereditary cancer-predisposing syndrome. Also called: Neoplastic Syndromes, Hereditary; Tumor predisposition; Hereditary Cancer Syndrome; Hereditary neoplastic syndrome. Identifiers: Orphanet 140162, MedGen C0027672, MeSH D009386, MONDO:0015356.
Peutz-Jeghers syndrome (PJS). Also called: Peutz-Jeghers polyposis; Periorificial lentiginosis syndrome; POLYPOSIS, HAMARTOMATOUS INTESTINAL; POLYPS-AND-SPOTS SYNDROME. Identifiers: Orphanet 2869, MedGen C0031269, MeSH D010580, MONDO:0008280, OMIM 175200.
Familial pancreatic carcinoma. Identifiers: Orphanet 1333, MedGen C2931038, MONDO:0015278, OMIM 260350.
Melanoma, cutaneous malignant, susceptibility to, 1 (CMM1). Also called: MELANOMA, MALIGNANT; B-K MOLE SYNDROME; DYSPLASTIC NEVUS SYNDROME, HEREDITARY; FAMILIAL ATYPICAL MOLE-MALIGNANT MELANOMA SYNDROME. Identifiers: Orphanet 618, MedGen C1835047, MONDO:0007963, OMIM 155600.
Germ cell tumor of testis (TGCT). Also called: GERM CELL TUMOR, SOMATIC; Testicular germ cell tumor. Identifiers: Orphanet 363504, MedGen C1336708, MONDO:0010108, OMIM 273300.

Allele frequency attached by ClinVar (database versions not stated): gnomAD exomes 0.00003; gnomAD 0.00004; TOPMed 0.00004; ExAC 0.00008.
gnomAD v4.1: 63 of 1,606,898 alleles (0.0039%); highest among the groups gnomAD compares: South Asian, 0.011%; no homozygotes.

Submissions (13):

CeGaT Center for Human Genetics Tuebingen
Classification: Likely benign. Last evaluated: 2026-08-01. Review status: criteria provided, single submitter. Criteria: CeGaT Center For Human Genetics Tuebingen Variant Classification Criteria Version 2. Collection method: clinical testing. Allele origin: germline. Affected: yes. Observed: 1 variant allele.
Comment: STK11: BP4, BP7

Labcorp Genetics (formerly Invitae), Labcorp
Classification: Benign for Peutz-Jeghers syndrome. Last evaluated: 2026-01-19. Review status: criteria provided, single submitter. Criteria: Invitae Variant Classification Sherloc (09022015). Collection method: clinical testing. Allele origin: germline.

Quest Diagnostics Nichols Institute San Juan Capistrano
Classification: Likely benign. Last evaluated: 2025-07-07. Review status: criteria provided, single submitter. Criteria: Quest Diagnostics criteria. Collection method: clinical testing. Allele origin: unknown.

Myriad Genetics, Inc.
Classification: Benign for Peutz-Jeghers syndrome. Last evaluated: 2025-03-24. Review status: criteria provided, single submitter. Criteria: Myriad Autosomal Dominant, Autosomal Recessive and X-Linked Classification Criteria (2023). Collection method: clinical testing. Allele origin: unknown.
Comment: This variant is considered benign. This variant is a silent/synonymous amino acid change and it is not expected to impact splicing.

Center for Genomic Medicine, Rigshospitalet, Copenhagen University Hospital
Classification: Likely benign. Last evaluated: 2025-03-04. Review status: criteria provided, single submitter. Criteria: ACMG Guidelines, 2015. Collection method: clinical testing. Allele origin: germline.

Department of Pathology and Laboratory Medicine, Sinai Health System
Classification: Likely benign for Melanoma, cutaneous malignant, susceptibility to, 1; Peutz-Jeghers syndrome; Familial pancreatic carcinoma; Germ cell tumor of testis. Last evaluated: 2024-12-09. Review status: criteria provided, single submitter. Criteria: ACMG Guidelines, 2015. Collection method: clinical testing. Allele origin: germline.

Blueprint Genetics
Classification: Likely benign. Last evaluated: 2024-10-08. Review status: criteria provided, single submitter. Criteria: ACMG Guidelines, 2015. Collection method: clinical testing. Allele origin: germline.

All of Us Research Program, National Institutes of Health
Classification: Likely benign for Peutz-Jeghers syndrome. Last evaluated: 2023-09-04. Review status: criteria provided, single submitter. Criteria: ACMG Guidelines, 2015. Collection method: clinical testing. Allele origin: germline. Inheritance: Autosomal dominant inheritance. Observed: 10 variant alleles, 10 heterozygotes.
Comment: This study involves interpretation of variants in research participants for the purpose of population health screening. Participant phenotype was not available at the time of variant classification. Additional details can be found in publication PMID: 35346344, PMCID: PMC8962531

Sema4
Classification: Likely benign for Hereditary cancer-predisposing syndrome. Last evaluated: 2021-08-12. Review status: criteria provided, single submitter. Criteria: Sema4 Curation Guidelines. Collection method: curation. Allele origin: germline.

Genome-Nilou Lab
Classification: Likely benign for Peutz-Jeghers syndrome. Last evaluated: 2021-07-15. Review status: criteria provided, single submitter. Criteria: ACMG Guidelines, 2015. Collection method: clinical testing. Allele origin: germline. Affected: no.

Color Diagnostics, LLC DBA Color Health
Classification: Likely benign for Hereditary cancer-predisposing syndrome. Last evaluated: 2017-01-17. Review status: criteria provided, single submitter. Criteria: ACMG Guidelines, 2015. Collection method: clinical testing. Allele origin: germline.

Ambry Genetics
Classification: Likely benign for Hereditary cancer-predisposing syndrome. Last evaluated: 2015-05-10. Review status: criteria provided, single submitter. Criteria: Ambry Variant Classification Scheme 2023. Collection method: clinical testing. Allele origin: germline.

GeneDx
Classification: Benign. Last evaluated: 2015-03-03. Review status: criteria provided, single submitter. Criteria: GeneDx Variant Classification Process June 2021. Collection method: clinical testing. Allele origin: germline. Affected: yes.

NM_000455.5(STK11):c.42G>A (p.Glu14=)

Gene: STK11 (serine/threonine kinase 11; plus strand). Cytogenetic location: 19p13.3.
Variant type: single nucleotide variant.
Coding change: c.42G>A on transcript NM_000455.5 (MANE Select); coding-DNA position 42, G replaced by A.
Protein change: p.Glu14=; no amino-acid change (glutamic acid 14 retained).
Molecular consequence: synonymous variant.
Genome position (GRCh38, 1-based): chr19:1,206,955, G>A. VCF-style: chr19-1206955-G-A. GRCh37 (hg19) VCF-style: chr19-1206954-G-A.
Identifiers: ClinVar variation 215738 (VCV000215738.38), dbSNP rs758769888, ClinGen allele CA047573.